The following is an entry in ClinVar:

ClinVar aggregate classification (germline): Likely benign. Review status: criteria provided, multiple submitters, no conflicts (2 of 4 stars). 2 submissions from 2 submitters: Likely benign (2). Last evaluated 2018-06-19.

Allele frequency attached by ClinVar (database versions not stated): 1000 Genomes Project 0.01777; 1000 Genomes Project 30x 0.01858; TOPMed 0.03447.
gnomAD v4.1: 64,041 of 1,427,280 alleles (4.5%); highest among the groups gnomAD compares: Non-Finnish European, 5.1%; 1,652 homozygotes.

Submissions (2):

GeneDx
Classification: Likely benign. Last evaluated: 2018-06-19. Review status: criteria provided, single submitter. Criteria: GeneDx Variant Classification (06012015). Collection method: clinical testing. Allele origin: germline. Affected: yes.
Comment: This variant is considered likely benign or benign based on one or more of the following criteria: it is a conservative change, it occurs at a poorly conserved position in the protein, it is predicted to be benign by multiple in silico algorithms, and/or has population frequency not consistent with disease.

Breakthrough Genomics
Classification: Likely benign. Review status: criteria provided, single submitter. Criteria: ACMG Guidelines, 2015. Collection method: not provided. Allele origin: germline. Inheritance: Autosomal recessive inheritance. Affected: yes.

NM_173660.5(DOK7):c.652+65G>A

Gene: DOK7 (docking protein 7; plus strand). Cytogenetic location: 4p16.3.
Variant type: single nucleotide variant.
Coding change: c.652+65G>A on transcript NM_173660.5 (MANE Select); 65 bases into the intron after coding-DNA position 652, G replaced by A.
Molecular consequence: intron variant.
Genome position (GRCh38, 1-based): chr4:3,485,723, G>A. VCF-style: chr4-3485723-G-A. GRCh37 (hg19) VCF-style: chr4-3487450-G-A.
Other names: c.652+65G>A (NM_001301071.2); c.220+65G>A (NM_001363811.2); c.641+65G>A (NM_001164673.2); c.-279+65G>A (NM_001256896.2).
Identifiers: ClinVar variation 681772 (VCV000681772.2), dbSNP rs144007944, ClinGen allele CA91544767.
Genomic context (GRCh38, chr4:3,485,723, plus strand): 5'-GTGTGGGAGCCTGGCCGGCCGGGGAGGGTGCGCTCGGCAGGCTGTGCGACGTCCCGGGGC[G>A]GGGGGCCACAGTGATTTGTCAGCCCCAGTTAGATGGCCAGCCTCCCCACCCCCAGCTAAG-3'